The following is an entry in ClinVar:

ClinVar aggregate classification (germline): Uncertain significance (1 of 4 stars; one submission).

gnomAD v4.1: 2 of 1,611,064 alleles (0.00012%); highest among the groups gnomAD compares: Non-Finnish European, 0.00017%; no homozygotes.

Submission:

Labcorp Genetics (formerly Invitae), Labcorp
Classification: Uncertain significance. Last evaluated: 2021-08-12. Review status: criteria provided, single submitter. Criteria: Invitae Variant Classification Sherloc (09022015). Collection method: clinical testing. Allele origin: germline.
Comment: In summary, the available evidence is currently insufficient to determine the role of this variant in disease. Therefore, it has been classified as a Variant of Uncertain Significance. Algorithms developed to predict the effect of missense changes on protein structure and function are either unavailable or do not agree on the potential impact of this missense change (SIFT: "Tolerated"; PolyPhen-2: "Possibly Damaging"; Align-GVGD: "Class C0"). This variant has not been reported in the literature in individuals affected with HPS1-related conditions. This variant is not present in population databases (ExAC no frequency). This sequence change replaces arginine with proline at codon 696 of the HPS1 protein (p.Arg696Pro). The arginine residue is moderately conserved and there is a moderate physicochemical difference between arginine and proline.

NM_000195.5(HPS1):c.2087G>C (p.Arg696Pro)

Gene: HPS1 (HPS1 biogenesis of lysosomal organelles complex 3 subunit 1; minus strand). Cytogenetic location: 10q24.2.
Variant type: single nucleotide variant.
Coding change: c.2087G>C on transcript NM_000195.5 (MANE Select); coding-DNA position 2087, G replaced by C.
Protein change: p.Arg696Pro; replaces arginine 696 with proline.
Molecular consequence: missense variant.
Genome position (GRCh38, 1-based): chr10:98,417,580, C>G on the plus strand (G>C on the coding strand, the complement: HPS1 is on the minus strand). VCF-style: chr10-98417580-C-G. GRCh37 (hg19) VCF-style: chr10-100177337-C-G.
Other names: c.1115G>C, p.Arg372Pro (NM_001311345.2, NM_001322487.2, NM_001322489.2); c.2087G>C, p.Arg696Pro (NM_001322476.2, NM_001322477.2); c.1988G>C, p.Arg663Pro (NM_001322478.2, NM_001322479.2); c.1826G>C, p.Arg609Pro (NM_001322480.2, NM_001322481.2); c.1727G>C, p.Arg576Pro (NM_001322482.2); c.1718G>C, p.Arg573Pro (NM_001322483.2, NM_001322484.2); c.1619G>C, p.Arg540Pro (NM_001322485.2); short protein forms R372P, R573P, R696P, R576P, R609P, R663P, R540P.
Identifiers: ClinVar variation 1374651 (VCV001374651.6), dbSNP rs759163020, ClinGen allele CA378041944.